The following is an entry in ClinVar:

ClinVar aggregate classification (germline): Uncertain significance (1 of 4 stars; one submission).

Conditions:
Schimke immuno-osseous dysplasia (SIOD). Also called: Schimke Immunoosseous Dysplasia. Identifiers: Orphanet 1830, MedGen C0877024, MONDO:0009458, OMIM 242900.

Allele frequency attached by ClinVar (database versions not stated): gnomAD exomes below 0.00001.
gnomAD v4.1: 1 of 1,614,186 alleles (0.000062%); highest among the groups gnomAD compares: Non-Finnish European, 0.000085%; no homozygotes.

Submission:

Labcorp Genetics (formerly Invitae), Labcorp
Classification: Uncertain significance for Schimke immuno-osseous dysplasia. Last evaluated: 2022-04-07. Review status: criteria provided, single submitter. Criteria: Invitae Variant Classification Sherloc (09022015). Collection method: clinical testing. Allele origin: germline.
Comment: This sequence change replaces alanine, which is neutral and non-polar, with threonine, which is neutral and polar, at codon 107 of the SMARCAL1 protein (p.Ala107Thr). This variant is not present in population databases (gnomAD no frequency). This variant has not been reported in the literature in individuals affected with SMARCAL1-related conditions. Algorithms developed to predict the effect of missense changes on protein structure and function (SIFT, PolyPhen-2, Align-GVGD) all suggest that this variant is likely to be tolerated. In summary, the available evidence is currently insufficient to determine the role of this variant in disease. Therefore, it has been classified as a Variant of Uncertain Significance.

NM_014140.4(SMARCAL1):c.319G>A (p.Ala107Thr)

Gene: SMARCAL1 (SNF2 related chromatin remodeling annealing helicase 1; plus strand). Cytogenetic location: 2q35.
Variant type: single nucleotide variant.
Coding change: c.319G>A on transcript NM_014140.4 (MANE Select); coding-DNA position 319, G replaced by A.
Protein change: p.Ala107Thr; replaces alanine 107 with threonine.
Molecular consequence: missense variant.
Genome position (GRCh38, 1-based): chr2:216,415,023, G>A. VCF-style: chr2-216415023-G-A. GRCh37 (hg19) VCF-style: chr2-217279746-G-A.
Other names: c.319G>A, p.Ala107Thr (NM_001127207.2); short protein forms A107T.
Identifiers: ClinVar variation 1980684 (VCV001980684.1), dbSNP rs2469611056, ClinGen allele CA350497040.